The following is an entry in ClinVar:

ClinVar aggregate classification (germline): Uncertain significance (1 of 4 stars; one submission).

gnomAD v4.1: 1 of 1,609,004 alleles (0.000062%); highest among the groups gnomAD compares: Non-Finnish European, 0.000085%; no homozygotes.

Submission:

Women's Health and Genetics/Laboratory Corporation of America, LabCorp
Classification: Uncertain significance. Last evaluated: 2025-11-11. Review status: criteria provided, single submitter. Criteria: LabCorp Variant Classification Summary - May 2015. Collection method: clinical testing. Allele origin: germline.
Comment: Variant summary: COL12A1 c.5396C>T (p.Thr1799Ile) results in a non-conservative amino acid change in the encoded protein sequence. Algorithms developed to predict the effect of missense changes on protein structure and function are either unavailable or do not agree on the potential impact of this missense change. Consensus agreement among computation tools predict no significant impact on normal splicing. However, these predictions have yet to be confirmed by functional studies. The variant was absent in 249038 control chromosomes. The available data on variant occurrences in the general population are insufficient to allow any conclusion about variant significance. To our knowledge, no occurrence of c.5396C>T in individuals affected with COL12A1-related conditions and no experimental evidence demonstrating its impact on protein function have been reported. No submitters have cited clinical-significance assessments for this variant to ClinVar. Based on the evidence outlined above, the variant was classified as uncertain significance.

NM_004370.6(COL12A1):c.5396C>T (p.Thr1799Ile)

Gene: COL12A1 (collagen type XII alpha 1 chain; minus strand). Cytogenetic location: 6q13.
Variant type: single nucleotide variant.
Coding change: c.5396C>T on transcript NM_004370.6 (MANE Select); coding-DNA position 5396, C replaced by T.
Protein change: p.Thr1799Ile; replaces threonine 1799 with isoleucine.
Molecular consequence: missense variant.
Genome position (GRCh38, 1-based): chr6:75,134,854, G>A on the plus strand (C>T on the coding strand, the complement: COL12A1 is on the minus strand). VCF-style: chr6-75134854-G-A. GRCh37 (hg19) VCF-style: chr6-75844570-G-A.
Other names: c.5396C>T, p.Thr1799Ile (NM_001424113.1); c.5375C>T, p.Thr1792Ile (NM_001424114.1); c.5123C>T, p.Thr1708Ile (NM_001424115.1); c.1904C>T, p.Thr635Ile (NM_001424116.1, NM_080645.3); short protein forms T1708I, T1792I, T1799I, T635I.
Identifiers: ClinVar variation 4536839 (VCV004536839.1).